The following is an entry in ClinVar:

ClinVar aggregate classification (germline): Likely pathogenic (1 of 4 stars; one submission).

Conditions:
Cardiovascular phenotype. Identifiers: MedGen CN230736.

Submission:

Ambry Genetics
Classification: Likely pathogenic for Cardiovascular phenotype. Last evaluated: 2024-01-02. Review status: criteria provided, single submitter. Criteria: Ambry Variant Classification Scheme 2023. Collection method: clinical testing. Allele origin: germline.
Comment: The c.25209delT variant, located in coding exon 101 of the TTN gene, results from a deletion of one nucleotide at nucleotide position 25209, causing a translational frameshift with a predicted alternate stop codon (p.F8403Lfs*21). This exon is located in the A-band region of the N2-B isoform of the titin protein and is constitutively expressed in TTN transcripts (percent spliced in or PSI 100%). This variant is considered to be rare based on population cohorts in the Genome Aggregation Database (gnomAD). This alteration is expected to result in loss of function by premature protein truncation or nonsense-mediated mRNA decay. While truncating variants in TTN are present in 1-3% of the general population, truncating variants in the A-band are the most common cause of dilated cardiomyopathy (DCM) (Herman DS et al. N. Engl. J. Med., 2012 Feb;366:619-28; Roberts AM et al. Sci Transl Med, 2015 Jan;7:270ra6). TTN truncating variants encoded in constitutive exons (PSI >90%) have been found to be significantly associated with DCM regardless of their position in titin (Schafer S et al. Nat. Genet., 2017 01;49:46-53). Based on the majority of available evidence to date, this variant is likely to be pathogenic.

NM_001267550.2(TTN):c.52404del (p.Phe17468fs)

Genes: TTN (titin; minus strand), TTN-AS1 (TTN antisense RNA 1; plus strand). Cytogenetic location: 2q31.2.
Variant type: Deletion.
Coding change: c.52404del on transcript NM_001267550.2 (MANE Select); coding-DNA position 52404, one base deleted (T; older notation c.52404delT).
Protein change: p.Phe17468fs; shifts the reading frame from phenylalanine 17468.
Molecular consequence: frameshift variant.
Genome position (GRCh38, 1-based): chr2:178,608,607, A deleted on the plus strand (T on the coding strand, the reverse complement: TTN is on the minus strand); the first of 3 consecutive A bases (chr2:178,608,607-178,608,609); deleting any one gives the same sequence. VCF-style (leftmost placement, unchanged base first): chr2-178608606-CA-C. GRCh37 (hg19) VCF-style: chr2-179473333-CA-C.
Other names: c.47481del, p.Phe15827fs (NM_001256850.1); c.25209del, p.Phe8403fs (NM_003319.4); c.44700del, p.Phe14900fs (NM_133378.4); c.25584del, p.Phe8528fs (NM_133432.3); c.25785del, p.Phe8595fs (NM_133437.4); c.25209delT (NM_003319.4); short protein forms F14900fs, F15827fs, F17468fs, F8403fs, F8528fs, F8595fs.
Identifiers: ClinVar variation 3223226 (VCV003223226.1), dbSNP rs2470347864, ClinGen allele CA2825001036.